The following is an entry in ClinVar:

ClinVar aggregate classification (germline): Uncertain significance. Review status: criteria provided, multiple submitters, no conflicts (2 of 4 stars). 2 submissions from 2 submitters: Uncertain significance (2). Last evaluated 2026-02-03.

Conditions:
PLXNA4-related disorder. Also called: PLXNA4-related condition.

Allele frequency attached by ClinVar (database versions not stated): TOPMed below 0.00001; ExAC 0.00001; gnomAD exomes 0.00002.
gnomAD v4.1: 31 of 1,614,174 alleles (0.0019%); highest among the groups gnomAD compares: Non-Finnish European, 0.0024%; no homozygotes.

Submissions (2):

PreventionGenetics, part of Exact Sciences
Classification: Uncertain significance for PLXNA4-related condition. Last evaluated: 2026-02-03. Review status: criteria provided, single submitter. Criteria: ACMG Guidelines, 2015. Collection method: clinical testing. Allele origin: germline.
Comment: The PLXNA4 c.301G>A variant is predicted to result in the amino acid substitution p.Val101Ile. To our knowledge, this variant has not been reported in the literature. This variant is reported in 0.00088% of alleles in individuals of European (Non-Finnish) descent in gnomAD. At this time, the clinical significance of this variant is uncertain due to the absence of conclusive functional and genetic evidence.

Ambry Genetics
Classification: Uncertain significance. Last evaluated: 2023-08-22. Review status: criteria provided, single submitter. Criteria: Ambry Variant Classification Scheme 2023. Collection method: clinical testing. Allele origin: germline.

NM_020911.2(PLXNA4):c.301G>A (p.Val101Ile)

Gene: PLXNA4 (plexin A4; minus strand). Cytogenetic location: 7q32.3.
Variant type: single nucleotide variant.
Coding change: c.301G>A on transcript NM_020911.2 (MANE Select); coding-DNA position 301, G replaced by A.
Protein change: p.Val101Ile; replaces valine 101 with isoleucine.
Molecular consequence: missense variant.
Genome position (GRCh38, 1-based): chr7:132,508,393, C>T on the plus strand (G>A on the coding strand, the complement: PLXNA4 is on the minus strand). VCF-style: chr7-132508393-C-T. GRCh37 (hg19) VCF-style: chr7-132193152-C-T.
Other names: c.301G>A, p.Val101Ile (NM_001105543.2, NM_001393897.1, NM_181775.4); short protein forms V101I.
Identifiers: ClinVar variation 2597890 (VCV002597890.3), dbSNP rs754870203, ClinGen allele CA4490513.